The following is an entry in ClinVar:

ClinVar aggregate classification (germline): Uncertain significance. Review status: criteria provided, multiple submitters, no conflicts (2 of 4 stars). 2 submissions from 2 submitters: Uncertain significance (2). Last evaluated 2025-11-11.

Conditions:
Generalized epilepsy-paroxysmal dyskinesia syndrome (PNKD3). Also called: Generalized epilepsy and paroxysmal dyskinesia; Paroxysmal nonkinesigenic dyskinesia, 3, with or without generalized epilepsy. Identifiers: Orphanet 79137, MedGen C5574945, MONDO:0012276, OMIM 609446.

Allele frequency attached by ClinVar (database versions not stated): gnomAD exomes below 0.00001; TOPMed below 0.00001.
gnomAD v4.1: 1 of 1,614,170 alleles (0.000062%); highest among the groups gnomAD compares: Non-Finnish European, 0.000085%; no homozygotes.

Submissions (2):

Labcorp Genetics (formerly Invitae), Labcorp
Classification: Uncertain significance for Generalized epilepsy-paroxysmal dyskinesia syndrome. Last evaluated: 2025-11-11. Review status: criteria provided, single submitter. Criteria: Invitae Variant Classification Sherloc (09022015). Collection method: clinical testing. Allele origin: germline.
Comment: This sequence change replaces alanine, which is neutral and non-polar, with threonine, which is neutral and polar, at codon 548 of the KCNMA1 protein (p.Ala548Thr). This variant is not present in population databases (gnomAD no frequency). This variant has not been reported in the literature in individuals affected with KCNMA1-related conditions. ClinVar contains an entry for this variant (Variation ID: 1353604). Invitae Evidence Modeling of protein sequence and biophysical properties (such as structural, functional, and spatial information, amino acid conservation, physicochemical variation, residue mobility, and thermodynamic stability) has been performed for this missense variant. However, the output from this modeling did not meet the statistical confidence thresholds required to predict the impact of this variant on KCNMA1 protein function. In summary, the available evidence is currently insufficient to determine the role of this variant in disease. Therefore, it has been classified as a Variant of Uncertain Significance.

GeneDx
Classification: Uncertain significance. Last evaluated: 2022-01-18. Review status: criteria provided, single submitter. Criteria: GeneDx Variant Classification Process June 2021. Collection method: clinical testing. Allele origin: germline. Affected: yes.
Comment: Not observed at significant frequency in large population cohorts (gnomAD); In silico analysis supports that this missense variant does not alter protein structure/function; Has not been previously published as pathogenic or benign to our knowledge

NM_001161352.2(KCNMA1):c.1642G>A (p.Ala548Thr)

Gene: KCNMA1 (potassium calcium-activated channel subfamily M alpha 1; minus strand). Cytogenetic location: 10q22.3.
Variant type: single nucleotide variant.
Coding change: c.1642G>A on transcript NM_001161352.2 (MANE Select); coding-DNA position 1642, G replaced by A.
Protein change: p.Ala548Thr; replaces alanine 548 with threonine.
Molecular consequence: missense variant.
Genome position (GRCh38, 1-based): chr10:77,073,204, C>T on the plus strand (G>A on the coding strand, the complement: KCNMA1 is on the minus strand). VCF-style: chr10-77073204-C-T. GRCh37 (hg19) VCF-style: chr10-78832962-C-T.
Other names: c.1642G>A, p.Ala548Thr (NM_001014797.3, NM_001161353.2, NM_001271519.2 and 7 more transcripts); c.1480G>A, p.Ala494Thr (NM_001271518.2); c.1102G>A, p.Ala368Thr (NM_001322838.2); short protein forms A494T, A548T, A368T.
Identifiers: ClinVar variation 1353604 (VCV001353604.7), dbSNP rs974940310, ClinGen allele CA210096886.